The following is an entry in ClinVar:

ClinVar aggregate classification (germline): Uncertain significance (1 of 4 stars; one submission).

gnomAD v4.1: 22 of 1,607,686 alleles (0.0014%); highest among the groups gnomAD compares: East Asian, 0.0022%; no homozygotes.

Submission:

Ambry Genetics
Classification: Uncertain significance. Last evaluated: 2026-02-24. Review status: criteria provided, single submitter. Criteria: Ambry Variant Classification Scheme 2023. Collection method: clinical testing. Allele origin: germline.
Comment: The c.179G>A (p.R60Q) alteration is located in exon 2 (coding exon 2) of the NUP210 gene. This alteration results from a G to A substitution at nucleotide position 179, causing the arginine (R) at amino acid position 60 to be replaced by a glutamine (Q). Based on data from gnomAD, the A allele has an overall frequency of <0.001% (1/242122) total alleles studied. The highest observed frequency was 0.001% (1/108844) of European (non-Finnish) alleles. Based on insufficient or conflicting evidence, the clinical significance of this alteration remains unclear.

NM_024923.4(NUP210):c.179G>A (p.Arg60Gln)

Gene: NUP210 (nucleoporin 210; minus strand). Cytogenetic location: 3p25.1.
Variant type: single nucleotide variant.
Coding change: c.179G>A on transcript NM_024923.4 (MANE Select); coding-DNA position 179, G replaced by A.
Protein change: p.Arg60Gln; replaces arginine 60 with glutamine.
Molecular consequence: missense variant.
Genome position (GRCh38, 1-based): chr3:13,399,850, C>T on the plus strand (G>A on the coding strand, the complement: NUP210 is on the minus strand). VCF-style: chr3-13399850-C-T. GRCh37 (hg19) VCF-style: chr3-13441350-C-T.
Other names: short protein forms R60Q.
Identifiers: ClinVar variation 4831796 (VCV004831796.1).
Genomic context (GRCh38, chr3:13,399,850, plus strand): 5'-GCCTTCTGGGAGCACTGCTGCTCGTCCAGGCCCAGCGGCTCGATGCTGGCCACCTCCGGC[C>T]GGGTGGACAACCTGCAGTGGAAGAAGACAGCATTTACTCTCTGGAGCTGCACTGCAAGGC-3'
Protein context (NP_079199.2, residues 50-70): SEGCYRWLST[Arg60Gln]PEVASIEPLG